The following is an entry in ClinVar:

NM_001999.4(FBN2):c.7947G>C (p.Trp2649Cys)

Gene: FBN2 (fibrillin 2; minus strand). Cytogenetic location: 5q23.3.
Variant type: single nucleotide variant.
Coding change: c.7947G>C on transcript NM_001999.4 (MANE Select); coding-DNA position 7947, G replaced by C.
Protein change: p.Trp2649Cys; replaces tryptophan 2649 with cysteine.
Molecular consequence: missense variant.
Genome position (GRCh38, 1-based): chr5:128,272,012, C>G on the plus strand (G>C on the coding strand, the complement: FBN2 is on the minus strand). VCF-style: chr5-128272012-C-G. GRCh37 (hg19) VCF-style: chr5-127607704-C-G.
Other names: short protein forms W2649C.
Identifiers: ClinVar variation 4825910 (VCV004825910.1).

ClinVar aggregate classification (germline): Uncertain significance (1 of 4 stars; one submission).

Conditions:
Familial thoracic aortic aneurysm and aortic dissection (TAAD). Also called: Thoracic aortic aneurysms and dissections. Identifiers: Orphanet 91387, MedGen C4707243, MONDO:0019625.

Submission:

Ambry Genetics
Classification: Uncertain significance for Familial thoracic aortic aneurysm and aortic dissection. Last evaluated: 2026-03-07. Review status: criteria provided, single submitter. Criteria: Ambry Variant Classification Scheme 2023. Collection method: clinical testing. Allele origin: germline.
Comment: The p.W2649C variant (also known as c.7947G>C), located in coding exon 62 of the FBN2 gene, results from a G to C substitution at nucleotide position 7947. The tryptophan at codon 2649 is replaced by cysteine, an amino acid with highly dissimilar properties. This amino acid position is conserved. In addition, this alteration is predicted to be deleterious by in silico analysis. Based on the available evidence, the clinical significance of this variant remains unclear.